The following is an entry in ClinVar:

NM_000368.5(TSC1):c.37A>C (p.Met13Leu)

Gene: TSC1 (TSC complex subunit 1; minus strand). Cytogenetic location: 9q34.13.
Variant type: single nucleotide variant.
Coding change: c.37A>C on transcript NM_000368.5 (MANE Select); coding-DNA position 37, A replaced by C.
Protein change: p.Met13Leu; replaces methionine 13 with leucine.
Molecular consequence: missense variant. On other transcripts: 5 prime UTR variant (1).
Genome position (GRCh38, 1-based): chr9:132,928,836, T>G on the plus strand (A>C on the coding strand, the complement: TSC1 is on the minus strand). VCF-style: chr9-132928836-T-G. GRCh37 (hg19) VCF-style: chr9-135804223-T-G.
Other names: c.37A>C, p.Met13Leu (NM_001162426.2, NM_001162427.2, NM_001406592.1 and 21 more transcripts); c.-223A>C (NM_001362177.2, NM_001406617.1, NM_001406619.1 and 3 more transcripts); c.-315A>C (NM_001406614.1); c.-452A>C (NM_001406615.1, NM_001406623.1); c.-419A>C (NM_001406616.1, NM_001406624.1); c.-841A>C (NM_001406626.1, NM_001406627.1, NM_001406628.1); c.-983A>C (NM_001406629.1); c.-1057A>C (NM_001406630.1); short protein forms M13L.
Identifiers: ClinVar variation 1735031 (VCV001735031.6), dbSNP rs768147590, ClinGen allele CA375375399.

ClinVar aggregate classification (germline): Uncertain significance. Review status: criteria provided, multiple submitters, no conflicts (2 of 4 stars). 2 submissions from 2 submitters: Uncertain significance (2). Last evaluated 2025-03-07.

Conditions:
Tuberous sclerosis 1 (TSC1). Identifiers: Orphanet 805, MedGen C1854465, MONDO:0008612, OMIM 191100.
Hereditary cancer-predisposing syndrome. Also called: Neoplastic Syndromes, Hereditary; Tumor predisposition; Hereditary Cancer Syndrome; Hereditary neoplastic syndrome. Identifiers: Orphanet 140162, MedGen C0027672, MeSH D009386, MONDO:0015356.

Submissions (2):

Ambry Genetics
Classification: Uncertain significance for Hereditary cancer-predisposing syndrome. Last evaluated: 2025-03-07. Review status: criteria provided, single submitter. Criteria: Ambry Variant Classification Scheme 2023. Collection method: clinical testing. Allele origin: germline.
Comment: The p.M13L variant (also known as c.37A>C), located in coding exon 1 of the TSC1 gene, results from an A to C substitution at nucleotide position 37. The methionine at codon 13 is replaced by leucine, an amino acid with highly similar properties. This amino acid position is not well conserved in available vertebrate species. In addition, this alteration is predicted to be tolerated by in silico analysis. Based on the available evidence, the clinical significance of this variant remains unclear.

Labcorp Genetics (formerly Invitae), Labcorp
Classification: Uncertain significance for Tuberous sclerosis 1. Last evaluated: 2023-08-27. Review status: criteria provided, single submitter. Criteria: Invitae Variant Classification Sherloc (09022015). Collection method: clinical testing. Allele origin: germline.
Comment: Advanced modeling of protein sequence and biophysical properties (such as structural, functional, and spatial information, amino acid conservation, physicochemical variation, residue mobility, and thermodynamic stability) performed at Invitae indicates that this missense variant is not expected to disrupt TSC1 protein function. In summary, the available evidence is currently insufficient to determine the role of this variant in disease. Therefore, it has been classified as a Variant of Uncertain Significance. ClinVar contains an entry for this variant (Variation ID: 1735031). This variant has not been reported in the literature in individuals affected with TSC1-related conditions. This variant is not present in population databases (gnomAD no frequency). This sequence change replaces methionine, which is neutral and non-polar, with leucine, which is neutral and non-polar, at codon 13 of the TSC1 protein (p.Met13Leu).